The following is an entry in ClinVar:

ClinVar aggregate classification (germline): Pathogenic/Likely pathogenic. Review status: criteria provided, multiple submitters, no conflicts (2 of 4 stars). 6 submissions from 6 submitters: Pathogenic (5); Likely pathogenic (1). Last evaluated 2025-11-25.

Conditions:
Inherited ovarian cancer (without breast cancer).
Fanconi anemia complementation group J. Also called: BRIP1-Related Fanconi Anemia. Identifiers: Orphanet 84, MedGen C1836860, MONDO:0012187, OMIM 609054.
Familial cancer of breast. Also called: BREAST CANCER, FAMILIAL; hereditary breast carcinoma; Hereditary breast cancer. Identifiers: Orphanet 227535, MedGen C0346153, MONDO:0016419, OMIM 114480. Disease mechanism: loss of function.
Hereditary cancer-predisposing syndrome. Also called: Tumor predisposition; Neoplastic Syndromes, Hereditary; Hereditary Cancer Syndrome; Hereditary neoplastic syndrome. Identifiers: Orphanet 140162, MedGen C0027672, MeSH D009386, MONDO:0015356.

Allele frequency attached by ClinVar (database versions not stated): gnomAD exomes below 0.00001; ExAC 0.00001; ESP Exome Variant Server 0.00008.

Submissions (6):

Genetics Laboratory, Great Ormond Street Hospital NHS Foundation Trust, North Thames Genomic Laboratory Hub
Classification: Pathogenic for Inherited ovarian cancer (without breast cancer). Last evaluated: 2025-11-25. Review status: criteria provided, single submitter. Criteria: CanVIG Consensus Spec V3.0. Collection method: clinical testing. Allele origin: germline. Affected: yes.
Comment: PS4_supporting, PM2_supporting, PVS1_very-strong

Color Diagnostics, LLC DBA Color Health
Classification: Pathogenic for Hereditary cancer-predisposing syndrome. Last evaluated: 2025-02-10. Review status: criteria provided, single submitter. Criteria: ACMG Guidelines, 2015. Collection method: clinical testing. Allele origin: germline.
Comment: This variant inserts 1 nucleotide in exon 13 of the BRIP1 gene, creating a frameshift and premature translation stop signal. This variant is expected to result in an absent or non-functional protein product. This variant has been reported in an individuals affected with breast cancer and ovarian cancer (PMID: 26921362, 33471991, 36315097, 36765687). This variant has also been identified in 1/251444 chromosomes in the general population by the Genome Aggregation Database (gnomAD). Loss of BRIP1 function is a known mechanism of disease. Based on the available evidence, this variant is classified as Pathogenic.

Ambry Genetics
Classification: Pathogenic for Hereditary cancer-predisposing syndrome. Last evaluated: 2024-12-30. Review status: criteria provided, single submitter. Criteria: Ambry Variant Classification Scheme 2023. Collection method: clinical testing. Allele origin: germline.
Comment: The c.1888dupA pathogenic mutation, located in coding exon 12 of the BRIP1 gene, results from a duplication of A at nucleotide position 1888, causing a translational frameshift with a predicted alternate stop codon (p.T630Nfs*9). This variant is considered to be rare based on population cohorts in the Genome Aggregation Database (gnomAD). This alteration is expected to result in loss of function by premature protein truncation or nonsense-mediated mRNA decay. As such, this alteration is interpreted as a disease-causing mutation.

Labcorp Genetics (formerly Invitae), Labcorp
Classification: Pathogenic for Familial cancer of breast; Fanconi anemia complementation group J. Last evaluated: 2024-10-14. Review status: criteria provided, single submitter. Criteria: Invitae Variant Classification Sherloc (09022015). Collection method: clinical testing. Allele origin: germline.
Comment: This sequence change creates a premature translational stop signal (p.Thr630Asnfs*9) in the BRIP1 gene. It is expected to result in an absent or disrupted protein product. Loss-of-function variants in BRIP1 are known to be pathogenic (PMID: 16116423, 17033622, 21964575). This variant is present in population databases (rs763818712, gnomAD 0.0009%). This variant has not been reported in the literature in individuals affected with BRIP1-related conditions. ClinVar contains an entry for this variant (Variation ID: 491418). Algorithms developed to predict the effect of sequence changes on RNA splicing suggest that this variant may disrupt the consensus splice site. For these reasons, this variant has been classified as Pathogenic.

Myriad Genetics, Inc.
Classification: Pathogenic for Familial cancer of breast. Last evaluated: 2023-06-05. Review status: criteria provided, single submitter. Criteria: Myriad Autosomal Dominant, Autosomal Recessive and X-Linked Classification Criteria (2023). Collection method: clinical testing. Allele origin: unknown.
Comment: This variant is considered pathogenic. This variant creates a frameshift predicted to result in premature protein truncation.

Quest Diagnostics Nichols Institute San Juan Capistrano
Classification: Likely pathogenic. Last evaluated: 2021-03-28. Review status: criteria provided, single submitter. Criteria: Quest Diagnostics criteria. Collection method: clinical testing. Allele origin: unknown.
Comment: This frameshift variant is predicted to cause the premature termination of BRIP1 protein synthesis. It has been reported in a couple of individuals with breast cancer as well as healthy controls in the published literature PMIDs: 26921362 (2016) and 33471991 (2021)). The frequency of this variant in the general population is consistent with pathogenicity. Based on the available information, we predict that the variant is likely pathogenic.

Literature cited by the submitters: PubMed 26921362 (cited by Color Diagnostics, LLC DBA Color Health and Quest Diagnostics Nichols Institute San Juan Capistrano); PubMed 33471991 (cited by Color Diagnostics, LLC DBA Color Health); PubMed 36315097 (cited by Color Diagnostics, LLC DBA Color Health); PubMed 36765687 (cited by Color Diagnostics, LLC DBA Color Health); PubMed 16116423 (cited by Labcorp Genetics (formerly Invitae), Labcorp); PubMed 17033622 (cited by Labcorp Genetics (formerly Invitae), Labcorp); PubMed 21964575 (cited by Labcorp Genetics (formerly Invitae), Labcorp).

NM_032043.3(BRIP1):c.1888dup (p.Thr630fs)

Gene: BRIP1 (BRCA1 interacting DNA helicase 1; minus strand). Cytogenetic location: 17q23.2.
Variant type: Duplication.
Coding change: c.1888dup on transcript NM_032043.3 (MANE Select); coding-DNA position 1888, one base duplicated (A; older notation c.1888dupA).
Protein change: p.Thr630fs; shifts the reading frame from threonine 630.
Molecular consequence: frameshift variant.
Genome position (GRCh38, 1-based): chr17:61,780,308, T duplicated on the plus strand (A on the coding strand, the reverse complement: BRIP1 is on the minus strand). VCF-style (leftmost placement, unchanged base first): chr17-61780307-G-GT. GRCh37 (hg19) VCF-style: chr17-59857668-G-GT.
Other names: c.1888dupA (NM_032043.2); short protein forms T630fs.
Identifiers: ClinVar variation 491418 (VCV000491418.20), dbSNP rs763818712, ClinGen allele CA8690639.